The following is an entry in ClinVar:

ClinVar aggregate classification (germline): Uncertain significance (1 of 4 stars; one submission).

Submission:

Labcorp Genetics (formerly Invitae), Labcorp
Classification: Uncertain significance. Last evaluated: 2022-04-08. Review status: criteria provided, single submitter. Criteria: Invitae Variant Classification Sherloc (09022015). Collection method: clinical testing. Allele origin: germline.
Comment: This sequence change replaces alanine, which is neutral and non-polar, with proline, which is neutral and non-polar, at codon 1546 of the MYO7A protein (p.Ala1546Pro). This variant is not present in population databases (gnomAD no frequency). This variant has not been reported in the literature in individuals affected with MYO7A-related conditions. Advanced modeling of protein sequence and biophysical properties (such as structural, functional, and spatial information, amino acid conservation, physicochemical variation, residue mobility, and thermodynamic stability) performed at Invitae indicates that this missense variant is not expected to disrupt MYO7A protein function. In summary, the available evidence is currently insufficient to determine the role of this variant in disease. Therefore, it has been classified as a Variant of Uncertain Significance.

NM_000260.4(MYO7A):c.4636G>C (p.Ala1546Pro)

Gene: MYO7A (myosin VIIA; plus strand). Cytogenetic location: 11q13.5.
Variant type: single nucleotide variant.
Coding change: c.4636G>C on transcript NM_000260.4 (MANE Select); coding-DNA position 4636, G replaced by C.
Protein change: p.Ala1546Pro; replaces alanine 1546 with proline.
Molecular consequence: missense variant. On other transcripts: intron variant (2).
Genome position (GRCh38, 1-based): chr11:77,199,602, G>C. VCF-style: chr11-77199602-G-C. GRCh37 (hg19) VCF-style: chr11-76910647-G-C.
Other names: c.4536-47G>C (NM_001369365.1); c.4569-47G>C (NM_001127180.2); short protein forms A1546P.
Identifiers: ClinVar variation 2032563 (VCV002032563.4), dbSNP rs753632889, ClinGen allele CA381950626.